The following is an entry in ClinVar:

NC_000017.11:g.31379024G>A

Gene: NF1 (neurofibromin 1; plus strand). Cytogenetic location: 17q11.2.
Variant type: single nucleotide variant.
Genome position: GRCh38 VCF-style: chr17-31379024-G-A. GRCh37 (hg19) VCF-style: chr17-29706042-G-A.
Identifiers: ClinVar variation 2672695 (VCV002672695.23), dbSNP rs184954044, ClinGen allele CA289712988.

ClinVar aggregate classification (germline): Benign (1 of 4 stars; one submission).

Allele frequency attached by ClinVar (database versions not stated): 1000 Genomes Project 0.00060; 1000 Genomes Project 30x 0.00062; TOPMed 0.00156; gnomAD 0.00165; gnomAD exomes 0.00274.

Submission:

CeGaT Center for Human Genetics Tuebingen
Classification: Benign. Last evaluated: 2026-07-01. Review status: criteria provided, single submitter. Criteria: CeGaT Center For Human Genetics Tuebingen Variant Classification Criteria Version 2. Collection method: clinical testing. Allele origin: germline. Affected: yes. Observed: 24 variant alleles.
Comment: NF1: BS1, BS2